The following is an entry in ClinVar:

ClinVar aggregate classification (germline): Uncertain significance (1 of 4 stars; one submission).

Submission:

GeneDx
Classification: Uncertain significance. Last evaluated: 2014-06-23. Review status: criteria provided, single submitter. Criteria: GeneDx Variant Classification (06012015). Collection method: clinical testing. Allele origin: germline. Affected: yes.
Comment: This variant is denoted ATM c.5G>C at the cDNA level, p.Ser2Thr (S2T) at the protein level, and results in the change of a Serine to a Threonine (AGT>ACT). This variant has not, to our knowledge, been published in the literature as pathogenic or benign. ATM Ser2Thr was not observed in approximately 6,500 individuals of European and African American ancestry in the NHLBI Exome Sequencing Project, indicating it is not a common benign variant in these populations. Since Serine and Threonine share similar properties, this is considered a conservative amino acid substitution. ATM Ser2Thr occurs at a position that is well conserved through mammals and is not located in a known functional domain. In silico analyses predict that this variant is probably damaging to protein structure and function. Based on currently available information, it is unclear whether ATM Ser2Thr is pathogenic or benign. We consider it to be a variant of uncertain significance.

NM_000051.4(ATM):c.5G>C (p.Ser2Thr)

Gene: ATM (ATM serine/threonine kinase; plus strand). Cytogenetic location: 11q22.3.
Variant type: single nucleotide variant.
Coding change: c.5G>C on transcript NM_000051.4 (MANE Select); coding-DNA position 5, G replaced by C.
Protein change: p.Ser2Thr; replaces serine 2 with threonine.
Molecular consequence: missense variant.
Genome position (GRCh38, 1-based): chr11:108,227,629, G>C. VCF-style: chr11-108227629-G-C. GRCh37 (hg19) VCF-style: chr11-108098356-G-C.
Other names: p.S2T:AGT>ACT; c.5G>C, p.Ser2Thr (NM_001351834.2, NM_001351835.2, NM_001351836.2); short protein forms S2T.
Identifiers: ClinVar variation 181943 (VCV000181943.2), dbSNP rs730881360, ClinGen allele CA298207.